The following is an entry in ClinVar:

ClinVar aggregate classification (germline): Conflicting classifications of pathogenicity. Review status: criteria provided, conflicting classifications (1 of 4 stars). 5 submissions from 5 submitters: Uncertain significance (4); Likely benign (1). Last evaluated 2026-09-11.

Conditions:
Retinal dystrophy and obesity (RDOB). Identifiers: Orphanet 791, MedGen C4015424, MONDO:0014522, OMIM 616188.
TUB-related disorder. Also called: TUB-related condition.

Allele frequency attached by ClinVar (database versions not stated): ESP Exome Variant Server 0.00008; 1000 Genomes Project 30x 0.00016; TOPMed 0.00019; 1000 Genomes Project 0.00020; gnomAD 0.00021 and 0.00022; gnomAD exomes 0.00030 and 0.00032; ExAC 0.00033.
gnomAD v4.1: 492 of 1,613,902 alleles (0.03%); highest among the groups gnomAD compares: Non-Finnish European, 0.036%; no homozygotes.

Submissions (5):

PreventionGenetics, part of Exact Sciences
Classification: Uncertain significance for TUB-related condition. Last evaluated: 2026-09-11. Review status: criteria provided, single submitter. Criteria: ACMG Guidelines, 2015. Collection method: clinical testing. Allele origin: germline.
Comment: The TUB c.529G>A variant is predicted to result in the amino acid substitution p.Ala177Thr. To our knowledge, this variant has not been reported in the literature. This variant is reported in 0.058% of alleles in individuals of Ashkenazi Jewish descent in gnomAD, which may be too common to be an undocumented primary cause of disease. Although we suspect that this variant may be benign, at this time, the clinical significance of this variant is uncertain due to the absence of conclusive functional and genetic evidence.

Ambry Genetics
Classification: Uncertain significance. Last evaluated: 2025-10-28. Review status: criteria provided, single submitter. Criteria: Ambry Variant Classification Scheme 2023. Collection method: clinical testing. Allele origin: germline.

Blueprint Genetics
Classification: Likely benign. Last evaluated: 2024-10-31. Review status: criteria provided, single submitter. Criteria: ACMG Guidelines, 2015. Collection method: clinical testing. Allele origin: germline.

Labcorp Genetics (formerly Invitae), Labcorp
Classification: Uncertain significance. Last evaluated: 2022-10-17. Review status: criteria provided, single submitter. Criteria: Invitae Variant Classification Sherloc (09022015). Collection method: clinical testing. Allele origin: germline.
Comment: This sequence change replaces alanine, which is neutral and non-polar, with threonine, which is neutral and polar, at codon 177 of the TUB protein (p.Ala177Thr). This variant is present in population databases (rs201324153, gnomAD 0.07%). This variant has not been reported in the literature in individuals affected with TUB-related conditions. ClinVar contains an entry for this variant (Variation ID: 962044). Algorithms developed to predict the effect of missense changes on protein structure and function (SIFT, PolyPhen-2, Align-GVGD) all suggest that this variant is likely to be tolerated. In summary, the available evidence is currently insufficient to determine the role of this variant in disease. Therefore, it has been classified as a Variant of Uncertain Significance.

New York Genome Center
Classification: Uncertain significance for Retinal dystrophy and obesity. Last evaluated: 2021-07-29. Review status: criteria provided, single submitter. Criteria: NYGC Assertion Criteria 2020. Collection method: clinical testing. Allele origin: germline. Observed: 1 heterozygote.

NM_177972.3(TUB):c.364G>A (p.Ala122Thr)

Genes: RIC3 (RIC3 acetylcholine receptor chaperone; minus strand), TUB (TUB bipartite transcription factor; plus strand). Cytogenetic location: 11p15.4.
Variant type: single nucleotide variant.
Coding change: c.364G>A on transcript NM_177972.3 (MANE Select); coding-DNA position 364, G replaced by A.
Protein change: p.Ala122Thr; replaces alanine 122 with threonine.
Molecular consequence: missense variant. On other transcripts: non-coding transcript variant (1).
Genome position (GRCh38, 1-based): chr11:8,094,156, G>A. VCF-style: chr11-8094156-G-A. GRCh37 (hg19) VCF-style: chr11-8115703-G-A.
Other names: c.529G>A, p.Ala177Thr (NM_003320.5); short protein forms A122T, A177T.
Identifiers: ClinVar variation 962044 (VCV000962044.14), dbSNP rs201324153, ClinGen allele CA5871052.